The following is an entry in ClinVar:

NC_000021.8:g.(?_38792657)_(38884854_?)dup

Gene: DYRK1A (dual specificity tyrosine phosphorylation regulated kinase 1A; plus strand). Cytogenetic location: 21q22.13.
Variant type: Duplication.
Identifiers: ClinVar variation 472238 (VCV000472238.2).

ClinVar aggregate classification (germline): Uncertain significance (1 of 4 stars; one submission).

Conditions:
DYRK1A-related intellectual disability syndrome (MRD7). Also called: Intellectual developmental disorder, autosomal dominant 7; DYRK1A Syndrome. Identifiers: Orphanet 464306, MedGen C5568143, MONDO:0013578, OMIM 614104.

Submission:

Labcorp Genetics (formerly Invitae), Labcorp
Classification: Uncertain significance for Mental retardation, autosomal dominant 7. Last evaluated: 2019-11-27. Review status: criteria provided, single submitter. Criteria: Invitae Variant Classification Sherloc (09022015). Collection method: clinical testing. Allele origin: germline.
Comment: This variant results in a copy number gain of the genomic region encompassing the full coding sequence of the DYRK1A gene. The boundaries of this event are unknown as they extend beyond the assayed region for this gene and therefore may encompass additional genes. As the precise location of this event is unknown, it may be in tandem or it may be located elsewhere in the genome Isolated whole-gene copy number gains of DYRK1A have not been reported in the literature. However, larger copy number events that include this gene have been reported (PMID: 17237124, 23512985). Experimental studies and prediction algorithms are not available for this variant, and the functional significance of a DYRK1A whole-gene copy number gain is currently unknown. In summary, the available evidence is currently insufficient to determine the role of this variant in disease. Therefore, it has been classified as a Variant of Uncertain Significance.

Literature cited by the submitters: PubMed 17237124; PubMed 23512985.